The following is an entry in ClinVar:

NM_006466.4(POLR3F):c.920G>T (p.Cys307Phe)

Gene: POLR3F (RNA polymerase III subunit F; plus strand). Cytogenetic location: 20p11.23.
Variant type: single nucleotide variant.
Coding change: c.920G>T on transcript NM_006466.4 (MANE Select); coding-DNA position 920, G replaced by T.
Protein change: p.Cys307Phe; replaces cysteine 307 with phenylalanine.
Molecular consequence: missense variant. On other transcripts: non-coding transcript variant (1).
Genome position (GRCh38, 1-based): chr20:18,483,527, G>T. VCF-style: chr20-18483527-G-T. GRCh37 (hg19) VCF-style: chr20-18464171-G-T.
Other names: c.797G>T, p.Cys266Phe (NM_001282526.2); c.776G>T, p.Cys259Phe (NM_001410821.1); short protein forms C259F, C307F, C266F.
Identifiers: ClinVar variation 2867372 (VCV002867372.3), dbSNP rs1288179454, ClinGen allele CA408353799.
Genomic context (GRCh38, chr20:18,483,527, plus strand): 5'-TTTCTTTTTTAAAGGTTTTTGATGACTGCCACGAAGGTGGTGAGATTTCACCATCTAACT[G>T]TATTTACATGACAGAGTGGCTCGAATTTTAATAGAGAGCTATGAACTTTATTGACATTTT-3'
Protein context (NP_006457.2, residues 297-316): HEGGEISPSN[Cys307Phe]IYMTEWLEF

ClinVar aggregate classification (germline): Uncertain significance (1 of 4 stars; one submission).

gnomAD v4.1: 2 of 1,534,126 alleles (0.00013%); no homozygotes.

Submission:

Labcorp Genetics (formerly Invitae), Labcorp
Classification: Uncertain significance. Last evaluated: 2022-11-04. Review status: criteria provided, single submitter. Criteria: Invitae Variant Classification Sherloc (09022015). Collection method: clinical testing. Allele origin: germline.
Comment: In summary, the available evidence is currently insufficient to determine the role of this variant in disease. Therefore, it has been classified as a Variant of Uncertain Significance. Algorithms developed to predict the effect of missense changes on protein structure and function are either unavailable or do not agree on the potential impact of this missense change (SIFT: "Deleterious"; PolyPhen-2: "Not Available"; Align-GVGD: "Class C0"). This variant has not been reported in the literature in individuals affected with POLR3F-related conditions. This variant is not present in population databases (gnomAD no frequency). This sequence change replaces cysteine, which is neutral and slightly polar, with phenylalanine, which is neutral and non-polar, at codon 266 of the POLR3F protein (p.Cys266Phe).